The following is an entry in ClinVar:

NM_003072.5(SMARCA4):c.1762-20G>A

Gene: SMARCA4 (SWI/SNF related BAF chromatin remodeling complex subunit ATPase 4; plus strand). Cytogenetic location: 19p13.2.
Variant type: single nucleotide variant.
Coding change: c.1762-20G>A on transcript NM_003072.5 (MANE Select); 20 bases into the intron before coding-DNA position 1762, G replaced by A.
Molecular consequence: intron variant.
Genome position (GRCh38, 1-based): chr19:10,996,474, G>A. VCF-style: chr19-10996474-G-A. GRCh37 (hg19) VCF-style: chr19-11107150-G-A.
Other names: c.1762-20G>A (NM_001128844.3, NM_001128849.3, NM_001128847.4 and 5 more transcripts).
Identifiers: ClinVar variation 1598363 (VCV001598363.9), dbSNP rs199878282, ClinGen allele CA9203883.
Genomic context (GRCh38, chr19:10,996,474, plus strand): 5'-TGGGATGGGAGCAGCCGTCTTCACGTGTGTGGCCTCAGCCTTGTGGGTCAGGGCCTGACC[G>A]TGTCTCTCTCTATTTCCAGAAGGCAGAAAATGCAGAAGGACAGACGCCTGCCATTGGGCC-3'

ClinVar aggregate classification (germline): Benign/Likely benign. Review status: criteria provided, multiple submitters, no conflicts (2 of 4 stars). 2 submissions from 2 submitters: Benign (1); Likely benign (1). Last evaluated 2026-07-10.

Conditions:
Rhabdoid tumor predisposition syndrome 2 (RTPS2). Identifiers: Orphanet 231108, Orphanet 69077, MedGen C2750074, MONDO:0013224, OMIM 613325.

Allele frequency attached by ClinVar (database versions not stated): gnomAD exomes 0.00002; ESP Exome Variant Server 0.00008; ExAC 0.00002; gnomAD 0.00004; TOPMed 0.00005.
gnomAD v4.1: 41 of 1,614,078 alleles (0.0025%); highest among the groups gnomAD compares: Middle Eastern, 0.099%; 1 homozygote.

Submissions (2):

Myriad Genetics, Inc.
Classification: Benign for Rhabdoid tumor predisposition syndrome 2. Last evaluated: 2026-07-10. Review status: criteria provided, single submitter. Criteria: Myriad Autosomal Dominant, Autosomal Recessive and X-Linked Classification Criteria (2023). Collection method: clinical testing. Allele origin: unknown.
Comment: This variant is considered benign. This variant is intronic and is not expected to impact mRNA splicing. This variant has been observed at a population frequency that is significantly greater than expected given the associated disease prevalence and penetrance.

Labcorp Genetics (formerly Invitae), Labcorp
Classification: Likely benign for Rhabdoid tumor predisposition syndrome 2. Last evaluated: 2026-02-03. Review status: criteria provided, single submitter. Criteria: Invitae Variant Classification Sherloc (09022015). Collection method: clinical testing. Allele origin: germline.